The following is an entry in ClinVar:

NM_203447.4(DOCK8):c.332+9T>G

Genes: DOCK8 (dedicator of cytokinesis 8; plus strand), LOC126860552 (BRD4-independent group 4 enhancer GRCh37_chr9:285795-286994; plus strand). Cytogenetic location: 9p24.3.
Variant type: single nucleotide variant.
Coding change: c.332+9T>G on transcript NM_203447.4 (MANE Select); 9 bases into the intron after coding-DNA position 332, T replaced by G.
Molecular consequence: intron variant.
Genome position (GRCh38, 1-based): chr9:286,645, T>G. VCF-style: chr9-286645-T-G. GRCh37 (hg19) VCF-style: chr9-286645-T-G.
Other names: p.?; c.128+9T>G (NM_001193536.2, NM_001190458.2).
Identifiers: ClinVar variation 380655 (VCV000380655.20), dbSNP rs113744378, ClinGen allele CA4957169.

ClinVar aggregate classification (germline): Benign/Likely benign. Review status: criteria provided, multiple submitters, no conflicts (2 of 4 stars). 6 submissions from 6 submitters: Benign (1); Likely benign (4). 1 of the submissions does not count toward it. Last evaluated 2026-01-28.

Conditions:
DOCK8-related disorder. Also called: DOCK8-related condition.
Combined immunodeficiency due to DOCK8 deficiency (HIES2). Also called: HIES autosomal recessive; Hyper-IgE recurrent infection syndrome, autosomal recessive; DOCK8 Deficiency; HYPER-IgE SYNDROME 2, AUTOSOMAL RECESSIVE, WITH RECURRENT INFECTIONS; HYPER-IgE RECURRENT INFECTION SYNDROME 2, AUTOSOMAL RECESSIVE. Identifiers: Orphanet 217390, MedGen C4722305, MONDO:0009478, OMIM 243700.

Allele frequency attached by ClinVar (database versions not stated): gnomAD 0.00139 and 0.00145; ESP Exome Variant Server 0.00146; TOPMed 0.00165; 1000 Genomes Project 30x 0.00172; 1000 Genomes Project 0.00200.
gnomAD v4.1: 361 of 1,613,490 alleles (0.022%); highest among the groups gnomAD compares: African/African-American, 0.41%; 1 homozygote.

Submissions (6):

Labcorp Genetics (formerly Invitae), Labcorp
Classification: Benign for Combined immunodeficiency due to DOCK8 deficiency. Last evaluated: 2026-01-28. Review status: criteria provided, single submitter. Criteria: Invitae Variant Classification Sherloc (09022015). Collection method: clinical testing. Allele origin: germline.

Mayo Clinic Laboratories, Mayo Clinic
Classification: Likely benign. Last evaluated: 2025-07-03. Review status: criteria provided, single submitter. Criteria: ACMG Guidelines, 2015. Collection method: clinical testing. Allele origin: germline. Observed: 2 variant alleles.
Comment: BS1, BP4, BP7

Blueprint Genetics
Classification: Likely benign. Last evaluated: 2024-02-06. Review status: criteria provided, single submitter. Criteria: ACMG Guidelines, 2015. Collection method: clinical testing. Allele origin: germline.

Genetic Services Laboratory, University of Chicago
Classification: Likely benign. Last evaluated: 2021-06-07. Review status: criteria provided, single submitter. Criteria: ACMG Guidelines, 2015. Collection method: clinical testing. Allele origin: germline. Affected: no.

GeneDx
Classification: Likely benign. Last evaluated: 2016-09-26. Review status: criteria provided, single submitter. Criteria: GeneDx Variant Classification (06012015). Collection method: clinical testing. Allele origin: germline. Affected: yes.
Comment: This variant is considered likely benign or benign based on one or more of the following criteria: it is a conservative change, it occurs at a poorly conserved position in the protein, it is predicted to be benign by multiple in silico algorithms, and/or has population frequency not consistent with disease.

PreventionGenetics, part of Exact Sciences
Classification: Likely benign for DOCK8-related condition. Last evaluated: 2019-07-11. Review status: no assertion criteria provided. Collection method: clinical testing. Allele origin: germline. Not counted in ClinVar's aggregate classification.
Comment: This variant is classified as likely benign based on ACMG/AMP sequence variant interpretation guidelines (Richards et al. 2015 PMID: 25741868, with internal and published modifications).